The following is an entry in ClinVar:

NM_001004127.3(ALG11):c.899G>A (p.Gly300Glu)

Gene: ALG11 (ALG11 alpha-1,2-mannosyltransferase; plus strand). Cytogenetic location: 13q14.3.
Variant type: single nucleotide variant.
Coding change: c.899G>A on transcript NM_001004127.3 (MANE Select); coding-DNA position 899, G replaced by A.
Protein change: p.Gly300Glu; replaces glycine 300 with glutamic acid.
Molecular consequence: missense variant.
Genome position (GRCh38, 1-based): chr13:52,024,629, G>A. VCF-style: chr13-52024629-G-A. GRCh37 (hg19) VCF-style: chr13-52598765-G-A.
Other names: short protein forms G300E.
Identifiers: ClinVar variation 654338 (VCV000654338.1), dbSNP rs1593903383, ClinGen allele CA388016783.
Genomic context (GRCh38, chr13:52,024,629, plus strand): 5'-CACCTTGTGATGTGCAGACATTTCTGGACATTCCCTTACATGAGAAAAAGATGACCCCAG[G>A]ACATTTGCTGGTTTCTGTTGGCCAGTTTAGGCCGGAAAAGAATCATCCATTGCAGATCAG-3'
Protein context (NP_001004127.2, residues 290-310): IPLHEKKMTP[Gly300Glu]HLLVSVGQFR

ClinVar aggregate classification (germline): Uncertain significance (1 of 4 stars; one submission).

Conditions:
ALG11-congenital disorder of glycosylation. Also called: CONGENITAL DISORDER OF GLYCOSYLATION, TYPE Ip; ALG11-CDG. Identifiers: Orphanet 280071, MedGen C3150913, MONDO:0013349, OMIM 613661.

Allele frequency attached by ClinVar (database versions not stated): gnomAD exomes below 0.00001.
gnomAD v4.1: 2 of 1,613,876 alleles (0.00012%); highest among the groups gnomAD compares: Non-Finnish European, 0.00017%; no homozygotes.

Submission:

Labcorp Genetics (formerly Invitae), Labcorp
Classification: Uncertain significance for Congenital disorder of glycosylation type 1P. Last evaluated: 2018-12-31. Review status: criteria provided, single submitter. Criteria: Invitae Variant Classification Sherloc (09022015). Collection method: clinical testing. Allele origin: germline.
Comment: This sequence change replaces glycine with glutamic acid at codon 300 of the ALG11 protein (p.Gly300Glu). The glycine residue is weakly conserved and there is a moderate physicochemical difference between glycine and glutamic acid. This variant is not present in population databases (ExAC no frequency). This variant has not been reported in the literature in individuals with ALG11-related conditions. Algorithms developed to predict the effect of missense changes on protein structure and function output the following: SIFT: "Tolerated"; PolyPhen-2: "Benign"; Align-GVGD: "Class C0". The glutamic acid amino acid residue is found in multiple mammalian species, suggesting that this missense change does not adversely affect protein function. These predictions have not been confirmed by published functional studies and their clinical significance is uncertain. In summary, the available evidence is currently insufficient to determine the role of this variant in disease. Therefore, it has been classified as a Variant of Uncertain Significance.